The following is an entry in ClinVar:

ClinVar aggregate classification (germline): Pathogenic (1 of 4 stars; one submission).

Submission:

ISCA site 4
Classification: Pathogenic. Last evaluated: 2011-08-12. Review status: criteria provided, single submitter. Criteria: Kaminsky et al. (Genet Med. 2011). Collection method: clinical testing. Allele origin: de novo. Affected: yes. Observed: 1 variant allele.
Comment: Copy number variation identified through the course of routine clinical cytogenomic testing in postnatal populations. Clinical assertions have been curated as described in Kaminsky et al. 2011.

GRCh38/hg38 3p14.2-14.1(chr3:61970847-68465832)x1

Genes: LRIG1 (leucine rich repeats and immunoglobulin like domains 1; minus strand), MAGI1 (membrane associated guanylate kinase, WW and PDZ domain containing 1; minus strand), MAGI1-AS1 (MAGI1 antisense RNA 1; plus strand), MAGI1-IT1 (MAGI1 intronic transcript 1; minus strand), MIR4272 (microRNA 4272; plus strand) and 103 more. Cytogenetic location: 3p14.2-14.1.
Variant type: copy number loss.
Change: copy number 1 (one copy instead of two) of chr3:61,970,847-68,465,832 (6.49 Mb, GRCh38 coordinates, 1-based), cytogenetic band 3p14.2-14.1.
Identifiers: ClinVar variation 57136 (VCV000057136.1).